The following is an entry in ClinVar:

ClinVar aggregate classification (germline): Uncertain significance (1 of 4 stars; one submission).

Submission:

GeneDx
Classification: Uncertain significance. Last evaluated: 2025-05-27. Review status: criteria provided, single submitter. Criteria: GeneDx Variant Classification Process June 2021. Collection method: clinical testing. Allele origin: germline. Affected: yes.
Comment: Not observed at significant frequency in large population cohorts (gnomAD); In silico analysis supports that this missense variant has a deleterious effect on protein structure/function; Has not been previously published as pathogenic or benign to our knowledge

NM_003185.4(TAF4):c.2689G>C (p.Asp897His)

Gene: TAF4 (TATA-box binding protein associated factor 4; minus strand). Cytogenetic location: 20q13.33.
Variant type: single nucleotide variant.
Coding change: c.2689G>C on transcript NM_003185.4 (MANE Select); coding-DNA position 2689, G replaced by C.
Protein change: p.Asp897His; replaces aspartic acid 897 with histidine.
Molecular consequence: missense variant.
Genome position (GRCh38, 1-based): chr20:62,000,222, C>G on the plus strand (G>C on the coding strand, the complement: TAF4 is on the minus strand). VCF-style: chr20-62000222-C-G. GRCh37 (hg19) VCF-style: chr20-60575278-C-G.
Other names: short protein forms D897H.
Identifiers: ClinVar variation 4532682 (VCV004532682.1).
Genomic context (GRCh38, chr20:62,000,222, plus strand): 5'-TTTTCTCTACAAGATTCTGTAGCCTTTGTTGCGTGGCATGTGATACATAACTTACTACAT[C>G]TGGATGTAATTCCGTTATACCATGTTTTTTACCTAAAGGTCAGGCAAGAAAAACAGTATT-3'
Protein context (NP_003176.2, residues 887-907): KKHGITELHP[Asp897His]VVSYVSHATQ